The following is an entry in ClinVar:

ClinVar aggregate classification (germline): Likely benign (1 of 4 stars; one submission).

Allele frequency attached by ClinVar (database versions not stated): gnomAD exomes 0.00032; ExAC 0.00012; 1000 Genomes Project 30x 0.00021; TOPMed 0.00021; 1000 Genomes Project 0.00026; gnomAD 0.00029.
gnomAD v4.1: 172 of 512,499 alleles (0.034%); highest among the groups gnomAD compares: Middle Eastern, 0.47%; no homozygotes.

Submission:

CeGaT Center for Human Genetics Tuebingen
Classification: Likely benign. Last evaluated: 2022-10-01. Review status: criteria provided, single submitter. Criteria: CeGaT Center For Human Genetics Tuebingen Variant Classification Criteria Version 2. Collection method: clinical testing. Allele origin: germline. Affected: yes. Observed: 2 variant alleles.
Comment: PPP4R3C: BP4, BP7

NM_207319.4(PPP4R3C):c.2274A>G (p.Glu758=)

Gene: PPP4R3C (protein phosphatase 4 regulatory subunit 3C; minus strand). Cytogenetic location: Xp21.3.
Variant type: single nucleotide variant.
Coding change: c.2274A>G on transcript NM_207319.4 (MANE Select); coding-DNA position 2274, A replaced by G.
Protein change: p.Glu758=; no amino-acid change (glutamic acid 758 retained).
Molecular consequence: synonymous variant.
Genome position (GRCh38, 1-based): chrX:27,461,023, T>C on the plus strand (A>G on the coding strand, the complement: PPP4R3C is on the minus strand). VCF-style: chrX-27461023-T-C. GRCh37 (hg19) VCF-style: chrX-27479140-T-C.
Identifiers: ClinVar variation 2660211 (VCV002660211.24), dbSNP rs750640410, ClinGen allele CA10374590.